The following is an entry in ClinVar:

Single allele

Genes: COL21A1 (collagen type XXI alpha 1 chain; minus strand), LOC123744829 (Sharpr-MPRA regulatory region 6371; plus strand). Cytogenetic location: 6p12.1.
Variant type: Deletion.
Identifiers: ClinVar variation 157010 (VCV000157010.2).

ClinVar aggregate classification (germline): not provided (0 of 4 stars; one submission).

Conditions:
Normal pregnancy. Identifiers: MedGen C0232989.

Submission:

Institute of Molecular and Cell Biology, University of Tartu
No classification provided. Condition: Normal pregnancy. Review status: no classification provided. Collection method: case-control. Allele origin: unknown. Affected: yes. Study: Kasak2014.
Comment: The study aimed to determine the contribution of copy number variants in the genetic etiology of normal and complicated pregnancies. The samples represented (i) maternal blood DNA drawn from healthy pregnant women during 1st or 2nd trimester and (ii) maternal and paternal blood DNA drawn at term pregnancy cases representing normal and complicated gestations (severe preeclampsia, PE; gestational diabetes, GD; small-for-gestational age newborn, SGA; large-for-gestational age newborn, LGA). We performed CNV calling based on genome-wide genotyping dataset (Illumina HumanOmniExpress-24-v1 BeadChip) by applying three algorithms, QuantiSNP, GADA (Genome Alteration Detection Algorithm) and CNstream in parallel. The acquired CNV calls were merged with HD-CNV (Hotspot Detector for Copy Number Variants) program and only the CNVs predicted by at least two programs, were considered in subsequent analysis.

Literature cited by the submitters: PubMed 25666259.